The following is an entry in ClinVar:

ClinVar aggregate classification (germline): Likely benign. Review status: criteria provided, multiple submitters, no conflicts (2 of 4 stars). 2 submissions from 2 submitters: Likely benign (2). Last evaluated 2018-07-07.

Conditions:
Sideroblastic anemia 2. Also called: Anemia, sideroblastic, 2, pyridoxine-refractory. Identifiers: Orphanet 260305, MedGen C4225425, MONDO:0008785, OMIM 205950.

Allele frequency attached by ClinVar (database versions not stated): 1000 Genomes Project 30x 0.00562; 1000 Genomes Project 0.00599; TOPMed 0.01095; gnomAD 0.01136 and 0.01159; gnomAD exomes 0.01389.

Submissions (2):

GeneDx
Classification: Likely benign. Last evaluated: 2018-07-07. Review status: criteria provided, single submitter. Criteria: GeneDx Variant Classification Process June 2021. Collection method: clinical testing. Allele origin: germline. Affected: yes.

Illumina Laboratory Services, Illumina
Classification: Likely benign for Sideroblastic anemia 2. Last evaluated: 2018-01-13. Review status: criteria provided, single submitter. Criteria: ICSL Variant Classification Criteria 13 December 2019. Collection method: clinical testing. Allele origin: germline.
Comment: This variant was observed in the ICSL laboratory as part of a predisposition screen in an ostensibly healthy population. It had not been previously curated by ICSL or reported in the Human Gene Mutation Database (HGMD: prior to June 1st, 2018), and was therefore a candidate for classification through an automated scoring system. Utilizing variant allele frequency, disease prevalence and penetrance estimates, and inheritance mode, an automated score was calculated to assess if this variant is too frequent to cause the disease. Based on the score and internal cut-off values, a variant classified as likely benign is not then subjected to further curation. The score for this variant resulted in a classification of likely benign for this disease.

NM_017875.4(SLC25A38):c.-292G>A

Gene: SLC25A38 (solute carrier family 25 member 38; plus strand). Cytogenetic location: 3p22.1.
Variant type: single nucleotide variant.
Coding change: c.-292G>A on transcript NM_017875.4 (MANE Select); 292 bases upstream of the start codon, G replaced by A.
Molecular consequence: 5 prime UTR variant.
Genome position (GRCh38, 1-based): chr3:39,383,433, G>A. VCF-style: chr3-39383433-G-A. GRCh37 (hg19) VCF-style: chr3-39424924-G-A.
Other names: c.-292G>A (LRG_1133t1, NM_001354798.2).
Identifiers: ClinVar variation 345135 (VCV000345135.8), dbSNP rs142441701, ClinGen allele CA10618431.